The following is an entry in ClinVar:

ClinVar aggregate classification (germline): Uncertain significance (1 of 4 stars; one submission).

gnomAD v4.1: 2 of 1,613,932 alleles (0.00012%); highest among the groups gnomAD compares: Admixed American, 0.0033%; no homozygotes.

Submission:

Mayo Clinic Laboratories, Mayo Clinic
Classification: Uncertain significance. Last evaluated: 2024-06-12. Review status: criteria provided, single submitter. Criteria: ACMG Guidelines, 2015. Collection method: clinical testing. Allele origin: germline. Observed: 1 variant allele.
Comment: PM2, PVS1_moderate

NM_183065.4(TMEM107):c.354-2A>G

Genes: TMEM107 (transmembrane protein 107; minus strand), LOC105371520 (uncharacterized LOC105371520; plus strand). Cytogenetic location: 17p13.1.
Variant type: single nucleotide variant.
Coding change: c.354-2A>G on transcript NM_183065.4 (MANE Select); the canonical splice acceptor site of the intron before coding-DNA position 354, A replaced by G.
Molecular consequence: splice acceptor variant.
Genome position (GRCh38, 1-based): chr17:8,174,274, T>C on the plus strand (A>G on the coding strand, the complement: TMEM107 is on the minus strand). VCF-style: chr17-8174274-T-C. GRCh37 (hg19) VCF-style: chr17-8077592-T-C.
Other names: c.156-2A>G (NM_001351280.2); c.333-2A>G (NM_001351279.2); c.351-2A>G (NM_001351278.2); c.372-2A>G (NM_032354.5).
Identifiers: ClinVar variation 3380463 (VCV003380463.1).